The following is an entry in ClinVar:

ClinVar aggregate classification (germline): Conflicting classifications of pathogenicity. Review status: criteria provided, conflicting classifications (1 of 4 stars). 6 submissions from 6 submitters: Uncertain significance (2); Likely benign (4). Last evaluated 2025-10-21.

Conditions:
Spastic paraplegia. Identifiers: MedGen C0037772, HP:0001258.
Hereditary spastic paraplegia 15 (SPG15). Also called: KJELLIN SYNDROME; SPASTIC PARAPLEGIA AND RETINAL DEGENERATION; SPASTIC PARAPLEGIA 15, AUTOSOMAL RECESSIVE. Identifiers: Orphanet 100996, MedGen C1849128, MONDO:0010044, OMIM 270700.
Hereditary spastic paraplegia. Also called: Familial spastic paraparesis. Identifiers: Orphanet 685, MedGen C0037773, MONDO:0019064. Disease mechanism: loss of function.

Allele frequency attached by ClinVar (database versions not stated): gnomAD exomes 0.00005 and 0.00020; ExAC 0.00007; gnomAD 0.00009; TOPMed 0.00009; ESP Exome Variant Server 0.00015.
gnomAD v4.1: 307 of 1,609,768 alleles (0.019%); highest among the groups gnomAD compares: Non-Finnish European, 0.025%; no homozygotes.

Submissions (6):

Labcorp Genetics (formerly Invitae), Labcorp
Classification: Likely benign for Spastic paraplegia. Last evaluated: 2025-10-21. Review status: criteria provided, single submitter. Criteria: Invitae Variant Classification Sherloc (09022015). Collection method: clinical testing. Allele origin: germline.

Blueprint Genetics
Classification: Likely benign. Last evaluated: 2024-07-05. Review status: criteria provided, single submitter. Criteria: ACMG Guidelines, 2015. Collection method: clinical testing. Allele origin: germline.

CeGaT Center for Human Genetics Tuebingen
Classification: Likely benign. Last evaluated: 2023-05-01. Review status: criteria provided, single submitter. Criteria: CeGaT Center For Human Genetics Tuebingen Variant Classification Criteria Version 2. Collection method: clinical testing. Allele origin: germline. Affected: yes. Observed: 1 variant allele.
Comment: ZFYVE26: BP4, BP7

Genome Diagnostics Laboratory, The Hospital for Sick Children
Classification: Uncertain significance for Hereditary spastic paraplegia. Last evaluated: 2019-07-01. Review status: criteria provided, single submitter. Criteria: ACMG Guidelines, 2015. Collection method: clinical testing. Allele origin: germline. Affected: yes.

Illumina Laboratory Services, Illumina
Classification: Uncertain significance for Hereditary spastic paraplegia 15. Last evaluated: 2018-01-13. Review status: criteria provided, single submitter. Criteria: ICSL Variant Classification Criteria 13 December 2019. Collection method: clinical testing. Allele origin: germline.

GeneDx
Classification: Likely benign. Last evaluated: 2017-02-17. Review status: criteria provided, single submitter. Criteria: GeneDx Variant Classification (06012015). Collection method: clinical testing. Allele origin: germline. Affected: yes.
Comment: This variant is considered likely benign or benign based on one or more of the following criteria: it is a conservative change, it occurs at a poorly conserved position in the protein, it is predicted to be benign by multiple in silico algorithms, and/or has population frequency not consistent with disease.

NM_015346.4(ZFYVE26):c.4035G>T (p.Val1345=)

Gene: ZFYVE26 (zinc finger FYVE-type containing 26; minus strand). Cytogenetic location: 14q24.1.
Variant type: single nucleotide variant.
Coding change: c.4035G>T on transcript NM_015346.4 (MANE Select); coding-DNA position 4035, G replaced by T.
Protein change: p.Val1345=; no amino-acid change (valine 1345 retained).
Molecular consequence: synonymous variant.
Genome position (GRCh38, 1-based): chr14:67,783,117, C>A on the plus strand (G>T on the coding strand, the complement: ZFYVE26 is on the minus strand). VCF-style: chr14-67783117-C-A. GRCh37 (hg19) VCF-style: chr14-68249834-C-A.
Identifiers: ClinVar variation 313901 (VCV000313901.46), dbSNP rs374530573, ClinGen allele CA7239851.